The following is an entry in ClinVar:

ClinVar aggregate classification (germline): Likely pathogenic. Review status: reviewed by expert panel (3 of 4 stars). 2 submissions from 2 submitters: Likely pathogenic (1). 1 of the submissions does not count toward it. Last evaluated 2020-11-13.

Conditions:
Phenylketonuria (PKU). Also called: Phenylketonuria (PKU); FOLLING DISEASE; OLIGOPHRENIA PHENYLPYRUVICA; Phenylketonurias. Identifiers: Orphanet 716, MedGen C0031485, MONDO:0009861, OMIM 261600. Disease mechanism: loss of function.

Submissions (2):

ClinGen PAH Variant Curation Expert Panel
Classification: Likely pathogenic for Phenylketonuria. Last evaluated: 2020-11-13. Review status: reviewed by expert panel. Criteria: ClinGen PAH ACMG Specifications v1. Collection method: curation. Allele origin: germline. Inheritance: Autosomal recessive inheritance.
Comment: The c.746T>A (p.Leu249His) variant in PAH has been reported in 1 individual with mild PKU (PMID: 11360625). This variant is absent in population databases. This variant was detected with pathogenic variant p.R243Q (PMID: 16256386). Computational evidence supports a deleterious effect. Another missense change at the same amino acid (p.L249F) is interpreted as pathogenic by multiple submitters. In summary, this variant meets criteria to be classified as likely pathogenic for PAH. PAH-specific ACMG/AMP criteria applied: PM2, PM5, PM3_supporting, PP3, PP4.

DeBelle Laboratory for Biochemical Genetics, MUHC/MCH RESEARCH INSTITUTE
No classification provided. Review status: no classification provided. Collection method: not provided. Allele origin: not provided. Not counted in ClinVar's aggregate classification.

Literature cited by the submitters: PubMed 16256386 (cited by ClinGen PAH Variant Curation Expert Panel); PubMed 11360625 (cited by ClinGen PAH Variant Curation Expert Panel).

NM_000277.3(PAH):c.746T>A (p.Leu249His)

Gene: PAH (phenylalanine hydroxylase; minus strand). Cytogenetic location: 12q23.2.
Variant type: single nucleotide variant.
Coding change: c.746T>A on transcript NM_000277.3 (MANE Select); coding-DNA position 746, T replaced by A.
Protein change: p.Leu249His; replaces leucine 249 with histidine.
Molecular consequence: missense variant.
Genome position (GRCh38, 1-based): chr12:102,852,911, A>T on the plus strand (T>A on the coding strand, the complement: PAH is on the minus strand). VCF-style: chr12-102852911-A-T. GRCh37 (hg19) VCF-style: chr12-103246689-A-T.
Other names: NM_000277.2(PAH):c.746T>A; p.Leu249His; c.746T>A, p.Leu249His (NM_001354304.2); short protein forms L249H.
Identifiers: ClinVar variation 102822 (VCV000102822.2), dbSNP rs62507338, ClinGen allele CA229740.